The following is an entry in ClinVar:

NM_030777.4(SLC2A10):c.*1340G>A

Gene: SLC2A10 (solute carrier family 2 member 10; plus strand). Cytogenetic location: 20q13.12.
Variant type: single nucleotide variant.
Coding change: c.*1340G>A on transcript NM_030777.4 (MANE Select); 1340 bases downstream of the stop codon, G replaced by A.
Molecular consequence: 3 prime UTR variant.
Genome position (GRCh38, 1-based): chr20:46,735,174, G>A. VCF-style: chr20-46735174-G-A. GRCh37 (hg19) VCF-style: chr20-45363813-G-A.
Identifiers: ClinVar variation 338624 (VCV000338624.5), dbSNP rs78189695, ClinGen allele CA10653178.
Genomic context (GRCh38, chr20:46,735,174, plus strand): 5'-AAGTAGCTATGACTGCAGATCATGTAAGGAAGGGACTGACAAGAAGCTCCCAGATGCTGG[G>A]GAGAATGAAGAGCTAAAATAGATCCTAGGTGCTGGATGCTTTGTCATCCATGCGTGCACA-3'

ClinVar aggregate classification (germline): Likely benign (1 of 4 stars; one submission).

Conditions:
Arterial tortuosity syndrome (ATORS). Identifiers: Orphanet 3342, MedGen C1859726, MONDO:0008818, OMIM 208050.

Allele frequency attached by ClinVar (database versions not stated): 1000 Genomes Project 30x 0.00375; 1000 Genomes Project 0.00379; TOPMed 0.00939; gnomAD 0.01044 and 0.01153; gnomAD exomes 0.02350.
gnomAD v4.1: 1,686 of 152,756 alleles (1.1%); highest among the groups gnomAD compares: Non-Finnish European, 1.6%; 13 homozygotes.

Submission:

Illumina Laboratory Services, Illumina
Classification: Likely benign for Arterial tortuosity syndrome. Last evaluated: 2018-01-12. Review status: criteria provided, single submitter. Criteria: ICSL Variant Classification Criteria 13 December 2019. Collection method: clinical testing. Allele origin: germline.
Comment: This variant was observed in the ICSL laboratory as part of a predisposition screen in an ostensibly healthy population. It had not been previously curated by ICSL or reported in the Human Gene Mutation Database (HGMD: prior to June 1st, 2018), and was therefore a candidate for classification through an automated scoring system. Utilizing variant allele frequency, disease prevalence and penetrance estimates, and inheritance mode, an automated score was calculated to assess if this variant is too frequent to cause the disease. Based on the score and internal cut-off values, a variant classified as likely benign is not then subjected to further curation. The score for this variant resulted in a classification of likely benign for this disease.